The following is an entry in ClinVar:

NM_002900.3(RBP3):c.118T>G (p.Cys40Gly)

Gene: RBP3 (retinol binding protein 3; plus strand). Cytogenetic location: 10q11.22.
Variant type: single nucleotide variant.
Coding change: c.118T>G on transcript NM_002900.3 (MANE Select); coding-DNA position 118, T replaced by G.
Protein change: p.Cys40Gly; replaces cysteine 40 with glycine.
Molecular consequence: missense variant.
Genome position (GRCh38, 1-based): chr10:47,348,602, T>G. VCF-style: chr10-47348602-T-G. GRCh37 (hg19) VCF-style: chr10-48390760-A-C.
Other names: short protein forms C40G.
Identifiers: ClinVar variation 1485998 (VCV001485998.4), dbSNP rs2132252121, ClinGen allele CA376664078.
Genomic context (GRCh38, chr10:47,348,602, plus strand): 5'-ACACACCTGTTCCAGCCAAGCCTGGTGCTGGACATGGCCAAGGTCCTCTTGGATAACTAC[T>G]GCTTCCCGGAGAACCTGCTGGGCATGCAGGAAGCCATCCAGCAGGCCATCAAGAGCCATG-3'
Protein context (NP_002891.1, residues 30-50): DMAKVLLDNY[Cys40Gly]FPENLLGMQE

ClinVar aggregate classification (germline): Uncertain significance. Review status: criteria provided, multiple submitters, no conflicts (2 of 4 stars). 2 submissions from 2 submitters: Uncertain significance (2). Last evaluated 2022-09-06.

Allele frequency attached by ClinVar (database versions not stated): gnomAD exomes below 0.00001.
gnomAD v4.1: 1 of 1,613,456 alleles (0.000062%); highest among the groups gnomAD compares: Admixed American, 0.0017%; no homozygotes.

Submissions (2):

Labcorp Genetics (formerly Invitae), Labcorp
Classification: Uncertain significance. Last evaluated: 2022-09-06. Review status: criteria provided, single submitter. Criteria: Invitae Variant Classification Sherloc (09022015). Collection method: clinical testing. Allele origin: germline.
Comment: This sequence change replaces cysteine, which is neutral and slightly polar, with glycine, which is neutral and non-polar, at codon 40 of the RBP3 protein (p.Cys40Gly). This variant is not present in population databases (gnomAD no frequency). This variant has not been reported in the literature in individuals affected with RBP3-related conditions. ClinVar contains an entry for this variant (Variation ID: 1485998). Algorithms developed to predict the effect of missense changes on protein structure and function are either unavailable or do not agree on the potential impact of this missense change (SIFT: "Deleterious"; PolyPhen-2: "Benign"; Align-GVGD: "Class C65"). In summary, the available evidence is currently insufficient to determine the role of this variant in disease. Therefore, it has been classified as a Variant of Uncertain Significance.

Blueprint Genetics
Classification: Uncertain significance. Last evaluated: 2021-09-14. Review status: criteria provided, single submitter. Criteria: ACMG Guidelines, 2015. Collection method: clinical testing. Allele origin: germline.